The following is an entry in ClinVar:

ClinVar aggregate classification (germline): Uncertain significance (1 of 4 stars; one submission).

Submission:

Mayo Clinic Laboratories, Mayo Clinic
Classification: Uncertain significance. Last evaluated: 2024-09-06. Review status: criteria provided, single submitter. Criteria: ACMG Guidelines, 2015. Collection method: clinical testing. Allele origin: germline. Observed: 1 variant allele.
Comment: PM2

NM_000311.5(PRNP):c.190G>A (p.Gly64Ser)

Gene: PRNP (prion protein (Kanno blood group); plus strand). Cytogenetic location: 20p13.
Variant type: single nucleotide variant.
Coding change: c.190G>A on transcript NM_000311.5 (MANE Select); coding-DNA position 190, G replaced by A.
Protein change: p.Gly64Ser; replaces glycine 64 with serine.
Molecular consequence: missense variant. On other transcripts: nonsense (1).
Genome position (GRCh38, 1-based): chr20:4,699,410, G>A. VCF-style: chr20-4699410-G-A. GRCh37 (hg19) VCF-style: chr20-4680056-G-A.
Other names: p.Gly64Ser; c.190G>A, p.Gly64Ser (NM_001080121.3, NM_001080122.3, NM_001080123.3 and 1 more transcripts); c.101G>A, p.Trp34Ter (NM_001271561.3); short protein forms G64S, W34*.
Identifiers: ClinVar variation 3380649 (VCV003380649.1).